The following is an entry in ClinVar:

ClinVar aggregate classification (germline): Uncertain significance. Review status: criteria provided, single submitter (1 of 4 stars). 2 submissions from 2 submitters: Uncertain significance (1). 1 of the submissions does not count toward it. Last evaluated 2024-03-28.

Conditions:
ZFHX4-related disorder. Also called: ZFHX4-related condition.

Allele frequency attached by ClinVar (database versions not stated): gnomAD exomes 0.00001; ExAC 0.00002; TOPMed 0.00002; gnomAD 0.00004.
gnomAD v4.1: 20 of 1,613,746 alleles (0.0012%); highest among the groups gnomAD compares: East Asian, 0.042%; no homozygotes.

Submissions (2):

Ambry Genetics
Classification: Uncertain significance. Last evaluated: 2024-03-28. Review status: criteria provided, single submitter. Criteria: Ambry Variant Classification Scheme 2023. Collection method: clinical testing. Allele origin: germline.

PreventionGenetics, part of Exact Sciences
Classification: Likely benign for ZFHX4-related condition. Last evaluated: 2023-06-08. Review status: no assertion criteria provided. Collection method: clinical testing. Allele origin: germline. Not counted in ClinVar's aggregate classification.
Comment: This variant is classified as likely benign based on ACMG/AMP sequence variant interpretation guidelines (Richards et al. 2015 PMID: 25741868, with internal and published modifications).

NM_024721.5(ZFHX4):c.6964C>T (p.Pro2322Ser)

Gene: ZFHX4 (zinc finger homeobox 4; plus strand). Cytogenetic location: 8q21.13.
Variant type: single nucleotide variant.
Coding change: c.6964C>T on transcript NM_024721.5 (MANE Select); coding-DNA position 6964, C replaced by T.
Protein change: p.Pro2322Ser; replaces proline 2322 with serine.
Molecular consequence: missense variant.
Genome position (GRCh38, 1-based): chr8:76,853,885, C>T. VCF-style: chr8-76853885-C-T. GRCh37 (hg19) VCF-style: chr8-77766121-C-T.
Other names: c.6886C>T, p.Pro2296Ser (NM_001410934.1); short protein forms P2296S, P2322S.
Identifiers: ClinVar variation 3031806 (VCV003031806.3), dbSNP rs754911207, ClinGen allele CA4787895.